The following is an entry in ClinVar:

NM_024753.5(TTC21B):c.*878A>G

Gene: TTC21B (tetratricopeptide repeat domain 21B; minus strand). Cytogenetic location: 2q24.3.
Variant type: single nucleotide variant.
Coding change: c.*878A>G on transcript NM_024753.5 (MANE Select); 878 bases downstream of the stop codon, A replaced by G.
Molecular consequence: 3 prime UTR variant.
Genome position (GRCh38, 1-based): chr2:165,873,877, T>C on the plus strand (A>G on the coding strand, the complement: TTC21B is on the minus strand). VCF-style: chr2-165873877-T-C. GRCh37 (hg19) VCF-style: chr2-166730387-T-C.
Identifiers: ClinVar variation 331801 (VCV000331801.6), dbSNP rs62177807, ClinGen allele CA10611146.
Genomic context (GRCh38, chr2:165,873,877, plus strand): 5'-AGATTTTTCAATGAAAGTTACATTTTCTGTACTATACCACCACCCATTAACATTACAGAA[T>C]GCAGGGGGAGCTTACCCTGATTTGCAAAACTTACCACATCTTTTGAGTTCCAAGAGGAAT-3'

ClinVar aggregate classification (germline): Benign. Review status: criteria provided, multiple submitters, no conflicts (2 of 4 stars). 3 submissions from 2 submitters: Benign (3). Last evaluated 2018-01-12.

Conditions:
Asphyxiating thoracic dystrophy 4 (SRTD4). Also called: SHORT-RIB THORACIC DYSPLASIA 4 WITH OR WITHOUT POLYDACTYLY; SHORT-RIB THORACIC DYSPLASIA 4. Identifiers: Orphanet 474, MedGen C3151185, MONDO:0013441, OMIM 613819.
Nephronophthisis 12 (NPHP12). Identifiers: Orphanet 655, MedGen C3151186, MONDO:0013442, OMIM 613820.

Allele frequency attached by ClinVar (database versions not stated): 1000 Genomes Project 30x 0.08588; 1000 Genomes Project 0.09105; TOPMed 0.10452; gnomAD 0.11039 and 0.11157.

Submissions (3):

Illumina Laboratory Services, Illumina
Classification: Benign for Nephronophthisis 12. Last evaluated: 2018-01-12. Review status: criteria provided, single submitter. Criteria: ICSL Variant Classification Criteria 13 December 2019. Collection method: clinical testing. Allele origin: germline.
Comment: This variant was observed in the ICSL laboratory as part of a predisposition screen in an ostensibly healthy population. It had not been previously curated by ICSL or reported in the Human Gene Mutation Database (HGMD: prior to June 1st, 2018), and was therefore a candidate for classification through an automated scoring system. Utilizing variant allele frequency, disease prevalence and penetrance estimates, and inheritance mode, an automated score was calculated to assess if this variant is too frequent to cause the disease. Based on the score and internal cut-off values, a variant classified as benign is not then subjected to further curation. The score for this variant resulted in a classification of benign for this disease.

Illumina Laboratory Services, Illumina
Classification: Benign for Asphyxiating thoracic dystrophy 4. Last evaluated: 2018-01-12. Review status: criteria provided, single submitter. Criteria: ICSL Variant Classification Criteria 13 December 2019. Collection method: clinical testing. Allele origin: germline.
Comment: the same text as in the submission from Illumina Laboratory Services, Illumina above.

Breakthrough Genomics
Classification: Benign. Review status: criteria provided, single submitter. Criteria: ACMG Guidelines, 2015. Collection method: not provided. Allele origin: germline. Inheritance: Autosomal recessive inheritance. Affected: yes.